The following is an entry in ClinVar:

ClinVar aggregate classification (germline): Uncertain significance (1 of 4 stars; one submission).

Conditions:
Glycine encephalopathy. Also called: Non-ketotic hyperglycinemia; Nonketotic hyperglycinemia. Identifiers: Orphanet 407, MedGen C0751748, MONDO:0011612, HP:0008288.

Submission:

Labcorp Genetics (formerly Invitae), Labcorp
Classification: Uncertain significance for Glycine encephalopathy. Last evaluated: 2021-09-17. Review status: criteria provided, single submitter. Criteria: Invitae Variant Classification Sherloc (09022015). Collection method: clinical testing. Allele origin: germline.
Comment: This sequence change replaces arginine with threonine at codon 856 of the GLDC protein (p.Arg856Thr). The arginine residue is moderately conserved and there is a moderate physicochemical difference between arginine and threonine. This variant is not present in population databases (ExAC no frequency). This variant has not been reported in the literature in individuals affected with GLDC-related conditions. Algorithms developed to predict the effect of missense changes on protein structure and function (SIFT, PolyPhen-2, Align-GVGD) all suggest that this variant is likely to be tolerated. In summary, the available evidence is currently insufficient to determine the role of this variant in disease. Therefore, it has been classified as a Variant of Uncertain Significance.

NM_000170.3(GLDC):c.2567G>C (p.Arg856Thr)

Gene: GLDC (glycine decarboxylase; minus strand). Cytogenetic location: 9p24.1.
Variant type: single nucleotide variant.
Coding change: c.2567G>C on transcript NM_000170.3 (MANE Select); coding-DNA position 2567, G replaced by C.
Protein change: p.Arg856Thr; replaces arginine 856 with threonine.
Molecular consequence: missense variant.
Genome position (GRCh38, 1-based): chr9:6,550,805, C>G on the plus strand (G>C on the coding strand, the complement: GLDC is on the minus strand). VCF-style: chr9-6550805-C-G. GRCh37 (hg19) VCF-style: chr9-6550805-C-G.
Other names: short protein forms R856T.
Identifiers: ClinVar variation 1961702 (VCV001961702.2), dbSNP rs1229379078, ClinGen allele CA372875681.